The following is an entry in ClinVar:

ClinVar aggregate classification (germline): Pathogenic (1 of 4 stars; one submission).

Conditions:
Multiple congenital anomalies-hypotonia-seizures syndrome 1 (MCAHS1). Also called: PIGN-CDG; Congenital disorder of glycosylation due to PIGN deficiency; GLYCOSYLPHOSPHATIDYLINOSITOL BIOSYNTHESIS DEFECT 3. Identifiers: Orphanet 280633, MedGen C3279775, MONDO:0013563, OMIM 614080.

Submission:

Labcorp Genetics (formerly Invitae), Labcorp
Classification: Pathogenic for Multiple congenital anomalies-hypotonia-seizures syndrome 1. Last evaluated: 2024-10-21. Review status: criteria provided, single submitter. Criteria: Invitae Variant Classification Sherloc (09022015). Collection method: clinical testing. Allele origin: germline.
Comment: This sequence change creates a premature translational stop signal (p.Ser702Glufs*28) in the PIGN gene. It is expected to result in an absent or disrupted protein product. Loss-of-function variants in PIGN are known to be pathogenic (PMID: 24253414, 27038415). This variant is not present in population databases (gnomAD no frequency). This variant has not been reported in the literature in individuals affected with PIGN-related conditions. For these reasons, this variant has been classified as Pathogenic.

Literature cited by the submitters: PubMed 24253414; PubMed 27038415.

NM_176787.5(PIGN):c.2102dup (p.Ser702fs)

Gene: PIGN (phosphatidylinositol glycan anchor biosynthesis class N; minus strand). Cytogenetic location: 18q21.33.
Variant type: Duplication.
Coding change: c.2102dup on transcript NM_176787.5 (MANE Select); coding-DNA position 2102, one base duplicated (T; older notation c.2102dupT).
Protein change: p.Ser702fs; shifts the reading frame from serine 702.
Molecular consequence: frameshift variant.
Genome position (GRCh38, 1-based): chr18:62,095,926, A duplicated on the plus strand (T on the coding strand, the reverse complement: PIGN is on the minus strand). VCF-style (leftmost placement, unchanged base first): chr18-62095925-C-CA. GRCh37 (hg19) VCF-style: chr18-59763158-C-CA.
Other names: c.2102dup, p.Ser702fs (NM_012327.6); short protein forms S702fs.
Identifiers: ClinVar variation 3655145 (VCV003655145.2).